The following is an entry in ClinVar:

NM_001349338.3(FOXP1):c.1127C>T (p.Pro376Leu)

Gene: FOXP1 (forkhead box P1; minus strand). Cytogenetic location: 3p13.
Variant type: single nucleotide variant.
Coding change: c.1127C>T on transcript NM_001349338.3 (MANE Select); coding-DNA position 1127, C replaced by T.
Protein change: p.Pro376Leu; replaces proline 376 with leucine.
Molecular consequence: missense variant. On other transcripts: non-coding transcript variant (2).
Genome position (GRCh38, 1-based): chr3:70,988,013, G>A on the plus strand (C>T on the coding strand, the complement: FOXP1 is on the minus strand). VCF-style: chr3-70988013-G-A. GRCh37 (hg19) VCF-style: chr3-71037164-G-A.
Other names: c.1127C>T, p.Pro376Leu (NM_001244808.3, NM_001244810.2, NM_001244814.3 and 4 more transcripts); c.899C>T, p.Pro300Leu (NM_001244812.3); c.827C>T, p.Pro276Leu (NM_001244813.3, NM_001244815.2, NM_001349342.3 and 1 more transcripts); c.824C>T, p.Pro275Leu (NM_001349337.2, NM_001349343.3, NM_001349344.3); c.1124C>T, p.Pro375Leu (NM_001349341.3); short protein forms P275L, P276L, P300L, P375L, P376L.
Identifiers: ClinVar variation 2413071 (VCV002413071.2), dbSNP rs2107493781, ClinGen allele CA353494623.

ClinVar aggregate classification (germline): Uncertain significance (1 of 4 stars; one submission).

Submission:

GeneDx
Classification: Uncertain significance. Last evaluated: 2022-07-27. Review status: criteria provided, single submitter. Criteria: GeneDx Variant Classification Process June 2021. Collection method: clinical testing. Allele origin: germline. Affected: yes.
Comment: Not observed at significant frequency in large population cohorts (gnomAD); In silico analysis supports that this missense variant has a deleterious effect on protein structure/function; Has not been previously published as pathogenic or benign to our knowledge